The following is an entry in ClinVar:

ClinVar aggregate classification (germline): Uncertain significance (1 of 4 stars; one submission).

Conditions:
Developmental and epileptic encephalopathy, 1 (DEE1). Also called: X-linked infantile spasms; West's syndrome; Tonic spasms with clustering, arrest of psychomotor development and hypsarrhythmia on EEG; X-Linked Infantile Spasm Syndrome; OHTAHARA SYNDROME, X-LINKED; Epileptic encephalopathy, early infantile, 1. Identifiers: MedGen C3463992, MONDO:0010632, OMIM 308350. Disease mechanism: loss of function.
Autosomal recessive spinocerebellar ataxia 12. Also called: SPINOCEREBELLAR ATAXIA WITH MENTAL RETARDATION AND EPILEPSY. Identifiers: Orphanet 284282, MedGen C3280452, MONDO:0013687, OMIM 614322.

Allele frequency attached by ClinVar (database versions not stated): gnomAD 0.00001; gnomAD exomes 0.00001; ExAC 0.00001.
gnomAD v4.1: 3 of 1,614,044 alleles (0.00019%); highest among the groups gnomAD compares: African/African-American, 0.0013%; no homozygotes.

Submission:

Labcorp Genetics (formerly Invitae), Labcorp
Classification: Uncertain significance for Developmental and epileptic encephalopathy, 1; Autosomal recessive spinocerebellar ataxia 12. Last evaluated: 2020-10-27. Review status: criteria provided, single submitter. Criteria: Invitae Variant Classification Sherloc (09022015). Collection method: clinical testing. Allele origin: germline.
Comment: This sequence change falls in intron 4 of the WWOX gene. It does not directly change the encoded amino acid sequence of the WWOX protein. It affects a nucleotide within the consensus splice site of the intron. This variant is present in population databases (rs780224603, ExAC 0.01%). This variant has not been reported in the literature in individuals with WWOX-related conditions. Nucleotide substitutions within the consensus splice site are a relatively common cause of aberrant splicing (PMID: 17576681, 9536098). Algorithms developed to predict the effect of sequence changes on RNA splicing suggest that this variant may disrupt the consensus splice site, but this prediction has not been confirmed by published transcriptional studies. In summary, the available evidence is currently insufficient to determine the role of this variant in disease. Therefore, it has been classified as a Variant of Uncertain Significance.

Literature cited by the submitters: PubMed 17576681; PubMed 9536098.

NM_016373.4(WWOX):c.409+6C>G

Gene: WWOX (WW domain containing oxidoreductase; plus strand). Cytogenetic location: 16q23.1.
Variant type: single nucleotide variant.
Coding change: c.409+6C>G on transcript NM_016373.4 (MANE Select); 6 bases into the intron after coding-DNA position 409, C replaced by G.
Molecular consequence: intron variant.
Genome position (GRCh38, 1-based): chr16:78,115,160, C>G. VCF-style: chr16-78115160-C-G. GRCh37 (hg19) VCF-style: chr16-78149057-C-G.
Other names: c.70+6C>G (NM_001291997.2); c.409+6C>G (NM_130791.5).
Identifiers: ClinVar variation 1390790 (VCV001390790.3), dbSNP rs780224603, ClinGen allele CA8183178.